The following is an entry in ClinVar:

NM_000094.4(COL7A1):c.8809C>G (p.Gln2937Glu)

Gene: COL7A1 (collagen type VII alpha 1 chain; minus strand). Cytogenetic location: 3p21.31.
Variant type: single nucleotide variant.
Coding change: c.8809C>G on transcript NM_000094.4 (MANE Select); coding-DNA position 8809, C replaced by G.
Protein change: p.Gln2937Glu; replaces glutamine 2937 with glutamic acid.
Molecular consequence: missense variant.
Genome position (GRCh38, 1-based): chr3:48,564,792, G>C on the plus strand (C>G on the coding strand, the complement: COL7A1 is on the minus strand). VCF-style: chr3-48564792-G-C. GRCh37 (hg19) VCF-style: chr3-48602225-G-C.
Other names: short protein forms Q2937E.
Identifiers: ClinVar variation 1907888 (VCV001907888.5), dbSNP rs1575414031, ClinGen allele CA352632449.

ClinVar aggregate classification (germline): Uncertain significance (1 of 4 stars; one submission).

Allele frequency attached by ClinVar (database versions not stated): gnomAD exomes below 0.00001; TOPMed 0.00001.
gnomAD v4.1: 3 of 1,613,714 alleles (0.00019%); highest among the groups gnomAD compares: Non-Finnish European, 0.00025%; no homozygotes.

Submission:

Labcorp Genetics (formerly Invitae), Labcorp
Classification: Uncertain significance. Last evaluated: 2025-06-22. Review status: criteria provided, single submitter. Criteria: Invitae Variant Classification Sherloc (09022015). Collection method: clinical testing. Allele origin: germline.
Comment: This sequence change replaces glutamine, which is neutral and polar, with glutamic acid, which is acidic and polar, at codon 2937 of the COL7A1 protein (p.Gln2937Glu). This variant is not present in population databases (gnomAD no frequency). This variant has not been reported in the literature in individuals affected with COL7A1-related conditions. ClinVar contains an entry for this variant (Variation ID: 1907888). Invitae Evidence Modeling of protein sequence and biophysical properties (such as structural, functional, and spatial information, amino acid conservation, physicochemical variation, residue mobility, and thermodynamic stability) indicates that this missense variant is not expected to disrupt COL7A1 protein function with a negative predictive value of 95%. In summary, the available evidence is currently insufficient to determine the role of this variant in disease. Therefore, it has been classified as a Variant of Uncertain Significance.